The following is an entry in ClinVar:

NM_017612.5(ZCCHC8):c.1843G>A (p.Ala615Thr)

Gene: ZCCHC8 (zinc finger CCHC-type containing 8; minus strand). Cytogenetic location: 12q24.31.
Variant type: single nucleotide variant.
Coding change: c.1843G>A on transcript NM_017612.5 (MANE Select); coding-DNA position 1843, G replaced by A.
Protein change: p.Ala615Thr; replaces alanine 615 with threonine.
Molecular consequence: missense variant.
Genome position (GRCh38, 1-based): chr12:122,473,778, C>T on the plus strand (G>A on the coding strand, the complement: ZCCHC8 is on the minus strand). VCF-style: chr12-122473778-C-T. GRCh37 (hg19) VCF-style: chr12-122958325-C-T.
Other names: c.1612G>A, p.Ala538Thr (NM_001350935.2); c.1546G>A, p.Ala516Thr (NM_001350936.2); c.1129G>A, p.Ala377Thr (NM_001350937.2, NM_001350938.2); short protein forms A516T, A377T, A538T, A615T.
Identifiers: ClinVar variation 4743670 (VCV004743670.1).

ClinVar aggregate classification (germline): Uncertain significance (1 of 4 stars; one submission).

Submission:

Labcorp Genetics (formerly Invitae), Labcorp
Classification: Uncertain significance. Last evaluated: 2025-06-18. Review status: criteria provided, single submitter. Criteria: Invitae Variant Classification Sherloc (09022015). Collection method: clinical testing. Allele origin: germline.
Comment: This sequence change replaces alanine, which is neutral and non-polar, with threonine, which is neutral and polar, at codon 615 of the ZCCHC8 protein (p.Ala615Thr). This variant is not present in population databases (gnomAD no frequency). This variant has not been reported in the literature in individuals affected with ZCCHC8-related conditions. Invitae Evidence Modeling of protein sequence and biophysical properties (such as structural, functional, and spatial information, amino acid conservation, physicochemical variation, residue mobility, and thermodynamic stability) indicates that this missense variant is not expected to disrupt ZCCHC8 protein function with a negative predictive value of 80%. In summary, the available evidence is currently insufficient to determine the role of this variant in disease. Therefore, it has been classified as a Variant of Uncertain Significance.